The following is an entry in ClinVar:

NM_001367949.2(FAT3):c.2133A>G (p.Gly711=)

Gene: FAT3 (FAT atypical cadherin 3; plus strand). Cytogenetic location: 11q14.3.
Variant type: single nucleotide variant.
Coding change: c.2133A>G on transcript NM_001367949.2 (MANE Select); coding-DNA position 2133, A replaced by G.
Protein change: p.Gly711=; no amino-acid change (glycine 711 retained).
Molecular consequence: synonymous variant.
Genome position (GRCh38, 1-based): chr11:92,354,245, A>G. VCF-style: chr11-92354245-A-G. GRCh37 (hg19) VCF-style: chr11-92087411-A-G.
Other names: c.2133A>G, p.Gly711= (NM_001008781.3, NM_001378141.1).
Identifiers: ClinVar variation 3034244 (VCV003034244.2), dbSNP rs373882316, ClinGen allele CA6226427.

ClinVar aggregate classification (germline): Benign (0 of 4 stars; one submission).

Conditions:
FAT3-related disorder. Also called: FAT3-related condition.

Allele frequency attached by ClinVar (database versions not stated): TOPMed 0.00009; gnomAD 0.00033; gnomAD exomes 0.00072; ExAC 0.00191; 1000 Genomes Project 30x 0.00250; 1000 Genomes Project 0.00280.
gnomAD v4.1: 1,131 of 1,613,706 alleles (0.07%); highest among the groups gnomAD compares: South Asian, 1.1%; 14 homozygotes.

Submission:

PreventionGenetics, part of Exact Sciences
Classification: Benign for FAT3-related condition. Last evaluated: 2020-01-07. Review status: no assertion criteria provided. Collection method: clinical testing. Allele origin: germline.
Comment: This variant is classified as benign based on ACMG/AMP sequence variant interpretation guidelines (Richards et al. 2015 PMID: 25741868, with internal and published modifications).